The following is an entry in ClinVar:

ClinVar aggregate classification (germline): Uncertain significance (1 of 4 stars; one submission).

Submission:

GeneDx
Classification: Uncertain significance. Last evaluated: 2023-12-10. Review status: criteria provided, single submitter. Criteria: GeneDx Variant Classification Process June 2021. Collection method: clinical testing. Allele origin: germline. Affected: yes.
Comment: Not observed at significant frequency in large population cohorts (gnomAD); Frameshift variant predicted to result in protein truncation or nonsense mediated decay in a gene or region of a gene for which loss of function is not a well-established mechanism of disease; Has not been previously published as pathogenic or benign to our knowledge

NM_173500.4(TTBK2):c.2627dup (p.Asn876fs)

Gene: TTBK2 (tau tubulin kinase 2; minus strand). Cytogenetic location: 15q15.2.
Variant type: Duplication.
Coding change: c.2627dup on transcript NM_173500.4 (MANE Select); coding-DNA position 2627, one base duplicated (A; older notation c.2627dupA).
Protein change: p.Asn876fs; shifts the reading frame from asparagine 876.
Molecular consequence: frameshift variant.
Genome position (GRCh38, 1-based): chr15:42,752,619, T duplicated on the plus strand (A on the coding strand, the reverse complement: TTBK2 is on the minus strand); the first of 7 consecutive T bases (chr15:42,752,619-42,752,625); duplicating any one gives the same sequence. VCF-style (leftmost placement, unchanged base first): chr15-42752618-A-AT. GRCh37 (hg19) VCF-style: chr15-43044816-A-AT.
Other names: c.2627dup (NM_173500.3); short protein forms N876fs.
Identifiers: ClinVar variation 3252746 (VCV003252746.1), dbSNP rs1373884363.